The following is an entry in ClinVar:

ClinVar aggregate classification (germline): Uncertain significance (0 of 4 stars; one submission).

Conditions:
COL4A2-related disorder. Also called: COL4A2-related disorders; COL4A2-related condition.

gnomAD v4.1: 2 of 1,613,900 alleles (0.00012%); highest among the groups gnomAD compares: African/African-American, 0.0027%; no homozygotes.

Submission:

PreventionGenetics, part of Exact Sciences
Classification: Uncertain significance for COL4A2-related condition. Last evaluated: 2024-08-31. Review status: no assertion criteria provided. Collection method: clinical testing. Allele origin: germline.
Comment: The COL4A2 c.3916C>T variant is predicted to result in the amino acid substitution p.Leu1306Phe. To our knowledge, this variant has not been reported in the literature or in a large population database, indicating this variant is rare. At this time, the clinical significance of this variant is uncertain due to the absence of conclusive functional and genetic evidence.

NM_001846.4(COL4A2):c.3916C>T (p.Leu1306Phe)

Genes: COL4A2 (collagen type IV alpha 2 chain; plus strand), COL4A2-AS1 (COL4A2 antisense RNA 1; minus strand). Cytogenetic location: 13q34.
Variant type: single nucleotide variant.
Coding change: c.3916C>T on transcript NM_001846.4 (MANE Select); coding-DNA position 3916, C replaced by T.
Protein change: p.Leu1306Phe; replaces leucine 1306 with phenylalanine.
Molecular consequence: missense variant.
Genome position (GRCh38, 1-based): chr13:110,503,159, C>T. VCF-style: chr13-110503159-C-T. GRCh37 (hg19) VCF-style: chr13-111155506-C-T.
Other names: short protein forms L1306F.
Identifiers: ClinVar variation 3353865 (VCV003353865.1).